The following is an entry in ClinVar:

NM_003361.4(UMOD):c.1331+1G>A

Gene: UMOD (uromodulin; minus strand). Cytogenetic location: 16p12.3.
Variant type: single nucleotide variant.
Coding change: c.1331+1G>A on transcript NM_003361.4 (MANE Select); the canonical splice donor site of the intron after coding-DNA position 1331, G replaced by A.
Molecular consequence: splice donor variant. On other transcripts: synonymous variant (1).
Genome position (GRCh38, 1-based): chr16:20,344,023, C>T on the plus strand (G>A on the coding strand, the complement: UMOD is on the minus strand). VCF-style: chr16-20344023-C-T. GRCh37 (hg19) VCF-style: chr16-20355345-C-T.
Other names: c.1332G>A, p.Arg444= (NM_001378237.1); c.1331+1G>A (NM_001008389.3, NM_001378234.1, NM_001378235.1 and 2 more transcripts); c.1430+1G>A (NM_001278614.2).
Identifiers: ClinVar variation 1497001 (VCV001497001.6), dbSNP rs1965387538, ClinGen allele CA394982660.

ClinVar aggregate classification (germline): Uncertain significance (1 of 4 stars; one submission).

Submission:

Labcorp Genetics (formerly Invitae), Labcorp
Classification: Uncertain significance. Last evaluated: 2025-06-12. Review status: criteria provided, single submitter. Criteria: Invitae Variant Classification Sherloc (09022015). Collection method: clinical testing. Allele origin: germline.
Comment: This sequence change affects a donor splice site in intron 6 of the UMOD gene. It is expected to disrupt RNA splicing. Variants that disrupt the donor or acceptor splice site typically lead to a loss of protein function (PMID: 16199547), however the current clinical and genetic evidence is not sufficient to establish whether loss-of-function variants in UMOD cause disease. This variant is not present in population databases (gnomAD no frequency). This variant has not been reported in the literature in individuals affected with UMOD-related conditions. ClinVar contains an entry for this variant (Variation ID: 1497001). Algorithms developed to predict the effect of sequence changes on RNA splicing suggest that this variant may disrupt the consensus splice site. In summary, the available evidence is currently insufficient to determine the role of this variant in disease. Therefore, it has been classified as a Variant of Uncertain Significance.

Literature cited by the submitters: PubMed 16199547.